The following is an entry in ClinVar:

NM_003079.5(SMARCE1):c.949A>G (p.Ser317Gly)

Gene: SMARCE1 (SWI/SNF related BAF chromatin remodeling complex subunit E1; minus strand). Cytogenetic location: 17q21.2.
Variant type: single nucleotide variant.
Coding change: c.949A>G on transcript NM_003079.5 (MANE Select); coding-DNA position 949, A replaced by G.
Protein change: p.Ser317Gly; replaces serine 317 with glycine.
Molecular consequence: missense variant.
Genome position (GRCh38, 1-based): chr17:40,630,792, T>C on the plus strand (A>G on the coding strand, the complement: SMARCE1 is on the minus strand). VCF-style: chr17-40630792-T-C. GRCh37 (hg19) VCF-style: chr17-38787044-T-C.
Other names: short protein forms S317G.
Identifiers: ClinVar variation 3799007 (VCV003799007.1).
Genomic context (GRCh38, chr17:40,630,792, plus strand): 5'-TCTCGTCGTCTTTCTTCTCCTCGCCTTTGTTAGCTGCTTGTTCTTCCTCAGGAACGATGC[T>C]GCTCTGACTGCGCTCAGCTTGCTCTGCGGCCTCCTTCTCCCTTTCCTCCTGCCTTTTGCG-3'
Protein context (NP_003070.3, residues 307-327): AAEQAERSQS[Ser317Gly]IVPEEEQAAN

ClinVar aggregate classification (germline): Uncertain significance (1 of 4 stars; one submission).

Conditions:
Hereditary cancer-predisposing syndrome. Also called: Neoplastic Syndromes, Hereditary; Hereditary Cancer Syndrome; Tumor predisposition; Hereditary neoplastic syndrome. Identifiers: Orphanet 140162, MedGen C0027672, MeSH D009386, MONDO:0015356.

gnomAD v4.1: 2 of 1,614,162 alleles (0.00012%); highest among the groups gnomAD compares: Non-Finnish European, 0.00017%; no homozygotes.

Submission:

Ambry Genetics
Classification: Uncertain significance for Hereditary cancer-predisposing syndrome. Last evaluated: 2024-12-20. Review status: criteria provided, single submitter. Criteria: Ambry Variant Classification Scheme 2023. Collection method: clinical testing. Allele origin: germline.
Comment: The p.S317G variant (also known as c.949A>G), located in coding exon 9 of the SMARCE1 gene, results from an A to G substitution at nucleotide position 949. The serine at codon 317 is replaced by glycine, an amino acid with similar properties. This amino acid position is conserved. In addition, this alteration is predicted to be tolerated by in silico analysis. Based on the available evidence, the clinical significance of this variant remains unclear.